The following is an entry in ClinVar:

NM_170784.3(MKKS):c.876G>A (p.Leu292=)

Gene: MKKS (MKKS centrosomal shuttling protein; minus strand). Cytogenetic location: 20p12.2.
Variant type: single nucleotide variant.
Coding change: c.876G>A on transcript NM_170784.3 (MANE Select); coding-DNA position 876, G replaced by A.
Protein change: p.Leu292=; no amino-acid change (leucine 292 retained).
Molecular consequence: synonymous variant.
Genome position (GRCh38, 1-based): chr20:10,412,639, C>T on the plus strand (G>A on the coding strand, the complement: MKKS is on the minus strand). VCF-style: chr20-10412639-C-T. GRCh37 (hg19) VCF-style: chr20-10393287-C-T.
Other names: c.876G>A, p.Leu292= (NM_018848.3).
Identifiers: ClinVar variation 3054729 (VCV003054729.2), dbSNP rs2514495531, ClinGen allele CA509814958.

ClinVar aggregate classification (germline): Likely benign (0 of 4 stars; one submission).

Conditions:
MKKS-related disorder. Also called: MKKS-related disorders; MKKS-related condition.

Submission:

PreventionGenetics, part of Exact Sciences
Classification: Likely benign for MKKS-related condition. Last evaluated: 2020-04-17. Review status: no assertion criteria provided. Collection method: clinical testing. Allele origin: germline.
Comment: This variant is classified as likely benign based on ACMG/AMP sequence variant interpretation guidelines (Richards et al. 2015 PMID: 25741868, with internal and published modifications).